The following is an entry in ClinVar:

NM_033517.1:c.2947C>A

Gene: SHANK3 (SH3 and multiple ankyrin repeat domains 3; plus strand).
Variant type: single nucleotide variant.
Other names: c.2947C>A (NM_033517.1).
Identifiers: ClinVar variation 4539978 (VCV004539978.1).

ClinVar aggregate classification (germline): Uncertain significance (1 of 4 stars; one submission).

Submission:

GeneDx
Classification: Uncertain significance. Last evaluated: 2025-06-28. Review status: criteria provided, single submitter. Criteria: GeneDx Variant Classification Process June 2021. Collection method: clinical testing. Allele origin: germline. Affected: yes.
Comment: Not observed at significant frequency in large population cohorts (gnomAD); Has not been previously published as pathogenic or benign to our knowledge; In silico analysis does not support a benign or deleterious effect of this variant on protein structure/function